The following is an entry in ClinVar:

NM_001961.4(EEF2):c.884A>T (p.Asp295Val)

Gene: EEF2 (eukaryotic translation elongation factor 2; minus strand). Cytogenetic location: 19p13.3.
Variant type: single nucleotide variant.
Coding change: c.884A>T on transcript NM_001961.4 (MANE Select); coding-DNA position 884, A replaced by T.
Protein change: p.Asp295Val; replaces aspartic acid 295 with valine.
Molecular consequence: missense variant.
Genome position (GRCh38, 1-based): chr19:3,981,960, T>A on the plus strand (A>T on the coding strand, the complement: EEF2 is on the minus strand). VCF-style: chr19-3981960-T-A. GRCh37 (hg19) VCF-style: chr19-3981958-T-A.
Other names: short protein forms D295V.
Identifiers: ClinVar variation 2627477 (VCV002627477.1), dbSNP rs1231921301, ClinGen allele CA403393896.

ClinVar aggregate classification (germline): Uncertain significance (1 of 4 stars; one submission).

Conditions:
Spinocerebellar ataxia type 19/22 (SCA19). Also called: SPINOCEREBELLAR ATAXIA 19; SPINOCEREBELLAR ATAXIA 22. Identifiers: Orphanet 98772, MedGen C1846367, MONDO:0011819, OMIM 607346.

gnomAD v4.1: 2 of 1,613,804 alleles (0.00012%); highest among the groups gnomAD compares: South Asian, 0.0011%; no homozygotes.

Submission:

Neuberg Centre For Genomic Medicine, NCGM
Classification: Uncertain significance for Spinocerebellar ataxia type 19/22. Review status: criteria provided, single submitter. Criteria: ACMG Guidelines, 2015. Collection method: clinical testing. Allele origin: germline. Inheritance: Autosomal dominant inheritance. Affected: yes.
Comment: The missense variant p.D295V in EEF2 (NM_001961.4) has not been reported previously as a pathogenic variant nor as a benign variant, to our knowledge. The p.D295V variant is novel (not in any individuals) in gnomAD Exomes and is novel (not in any individuals) in 1000 Genomes. The p.D295V missense variant is predicted to be damaging by both SIFT and PolyPhen2. The aspartic acid residue at codon 295 of EEF2 is conserved in all mammalian species. The nucleotide c.884 in EEF2 is predicted conserved by GERP++ and PhyloP across 100 vertebrates. For these reasons, this variant has been classified as Uncertain Significance